The following is an entry in ClinVar:

ClinVar aggregate classification (germline): Conflicting classifications of pathogenicity. Review status: criteria provided, conflicting classifications (1 of 4 stars). 2 submissions from 1 submitter: Uncertain significance (1); Likely benign (1). Last evaluated 2018-01-12.

Conditions:
Retinitis pigmentosa (RP). Identifiers: Orphanet 791, MedGen C0035334, MeSH D012174, MONDO:0019200, OMIM 268000. Inheritance: Autosomal dominant, autosomal recessive and X linked inheritance.
Bardet-Biedl syndrome 8 (BBS8). Identifiers: Orphanet 110, MedGen C1859566, MONDO:0014436, OMIM 615985.

Allele frequency attached by ClinVar (database versions not stated): gnomAD 0.00059 and 0.00070; gnomAD exomes 0.00090; TOPMed 0.00098; 1000 Genomes Project 30x 0.00172; 1000 Genomes Project 0.00220.
gnomAD v4.1: 980 of 1,081,278 alleles (0.091%); highest among the groups gnomAD compares: East Asian, 2.1%; 13 homozygotes.

Submissions (2):

Illumina Laboratory Services, Illumina
Classification: Uncertain significance for Retinitis pigmentosa. Last evaluated: 2018-01-12. Review status: criteria provided, single submitter. Criteria: ICSL Variant Classification Criteria 13 December 2019. Collection method: clinical testing. Allele origin: germline.

Illumina Laboratory Services, Illumina
Classification: Likely benign for Bardet-Biedl syndrome 8. Last evaluated: 2018-01-12. Review status: criteria provided, single submitter. Criteria: ICSL Variant Classification Criteria 13 December 2019. Collection method: clinical testing. Allele origin: germline.
Comment: This variant was observed in the ICSL laboratory as part of a predisposition screen in an ostensibly healthy population. It had not been previously curated by ICSL or reported in the Human Gene Mutation Database (HGMD: prior to June 1st, 2018), and was therefore a candidate for classification through an automated scoring system. Utilizing variant allele frequency, disease prevalence and penetrance estimates, and inheritance mode, an automated score was calculated to assess if this variant is too frequent to cause the disease. Based on the score and internal cut-off values, a variant classified as likely benign is not then subjected to further curation. The score for this variant resulted in a classification of likely benign for this disease.

NM_144596.4(TTC8):c.*83A>G

Gene: TTC8 (tetratricopeptide repeat domain 8; plus strand). Cytogenetic location: 14q31.3.
Variant type: single nucleotide variant.
Coding change: c.*83A>G on transcript NM_144596.4 (MANE Select); 83 bases downstream of the stop codon, A replaced by G.
Molecular consequence: 3 prime UTR variant. On other transcripts: non-coding transcript variant (1).
Genome position (GRCh38, 1-based): chr14:88,877,493, A>G. VCF-style: chr14-88877493-A-G. GRCh37 (hg19) VCF-style: chr14-89343837-A-G.
Other names: c.*83A>G (NM_001288781.1, NM_001288782.1, NM_001288783.1 and 4 more transcripts).
Identifiers: ClinVar variation 314806 (VCV000314806.5), dbSNP rs147325843, ClinGen allele CA10645222.
Genomic context (GRCh38, chr14:88,877,493, plus strand): 5'-TCTTATGAAGCAGCATTATGCAAGGGGAAAAAAGCACTATGTCTGTGTATGTATGTATAT[A>G]GTGTAATACGTATATTTTAACAAACCTGTCCTTGATATTAGTTAAGGTGACACATAAGGG-3'